The following is an entry in ClinVar:

ClinVar aggregate classification (germline): Benign (3 of 4 stars; one submission).

Conditions:
Breast-ovarian cancer, familial, susceptibility to, 2 (BROVCA2). Also called: BRCA2 Hereditary Breast and Ovarian Cancer. Identifiers: Orphanet 145, MedGen C2675520, MONDO:0012933, OMIM 612555. Disease mechanism: loss of function.

Allele frequency attached by ClinVar (database versions not stated): gnomAD 0.00182 and 0.00190; TOPMed 0.00205; 1000 Genomes Project 0.00280; 1000 Genomes Project 30x 0.00344.
gnomAD v4.1: 273 of 152,340 alleles (0.18%); highest among the groups gnomAD compares: African/African-American, 0.63%; 1 homozygote.

Submission:

Evidence-based Network for the Interpretation of Germline Mutant Alleles (ENIGMA)
Classification: Benign for Breast-ovarian cancer, familial, susceptibility to, 2. Last evaluated: 2016-09-28. Review status: reviewed by expert panel. Criteria: ENIGMA BRCA1/2 Classification Criteria (2015). Collection method: curation. Allele origin: germline.
Comment: Class 1 not pathogenic based on frequency >1% in an outbred sampleset. Frequency 0.0106 (African), derived from 1000 genomes (2013-05-02).

NM_000059.4(BRCA2):c.8331+943T>G

Gene: BRCA2 (BRCA2 DNA repair associated; plus strand). Cytogenetic location: 13q13.1.
Variant type: single nucleotide variant.
Coding change: c.8331+943T>G on transcript NM_000059.4 (MANE Select); 943 bases into the intron after coding-DNA position 8331, T replaced by G.
Molecular consequence: intron variant.
Genome position (GRCh38, 1-based): chr13:32,364,476, T>G. VCF-style: chr13-32364476-T-G. GRCh37 (hg19) VCF-style: chr13-32938613-T-G.
Identifiers: ClinVar variation 264883 (VCV000264883.1), dbSNP rs140346021, ClinGen allele CA10588132.